The following is an entry in ClinVar:

NM_004360.5(CDH1):c.1901C>T (p.Ala634Val)

Gene: CDH1 (cadherin 1; plus strand). Cytogenetic location: 16q22.1.
Variant type: single nucleotide variant.
Coding change: c.1901C>T on transcript NM_004360.5 (MANE Select); coding-DNA position 1901, C replaced by T.
Protein change: p.Ala634Val; replaces alanine 634 with valine.
Molecular consequence: missense variant. On other transcripts: 5 prime UTR variant (1).
Genome position (GRCh38, 1-based): chr16:68,822,190, C>T. VCF-style: chr16-68822190-C-T. GRCh37 (hg19) VCF-style: chr16-68856093-C-T.
Other names: c.1718C>T, p.Ala573Val (NM_001317184.2); c.353C>T, p.Ala118Val (NM_001317185.2); c.-65C>T (NM_001317186.2); c.1901C>T, p.Ala634Val (LRG_301t1); short protein forms A634V, A118V, A573V.
Identifiers: ClinVar variation 12244 (VCV000012244.30), dbSNP rs121964878, ClinGen allele CA281003.

ClinVar aggregate classification (germline): Pathogenic/Likely pathogenic. Review status: criteria provided, multiple submitters, no conflicts (2 of 4 stars). 11 submissions from 11 submitters: Pathogenic (8); Likely pathogenic (2). 1 of the submissions does not count toward it. Last evaluated 2026-01-14.

Conditions:
Hereditary cancer-predisposing syndrome. Also called: Hereditary Cancer Syndrome; Hereditary neoplastic syndrome; Tumor predisposition; Neoplastic Syndromes, Hereditary. Identifiers: Orphanet 140162, MedGen C0027672, MeSH D009386, MONDO:0015356.
Hereditary diffuse gastric adenocarcinoma (HDGC). Also called: DIFFUSE GASTRIC AND LOBULAR BREAST CANCER SYNDROME. Identifiers: Orphanet 26106, MedGen C1708349, MONDO:0007648, OMIM 137215.
Malignant tumor of breast. Also called: Malignant breast neoplasm; Cancer breast. Identifiers: MedGen C0006142, MONDO:0007254. Disease mechanism: loss of function.

Allele frequency attached by ClinVar (database versions not stated): gnomAD exomes below 0.00001.
gnomAD v4.1: 5 of 1,614,074 alleles (0.00031%); highest among the groups gnomAD compares: Admixed American, 0.0017%; no homozygotes.

Submissions (12):

Dasa
Classification: Pathogenic. Last evaluated: 2026-01-14. Review status: criteria provided, single submitter. Criteria: DASA Assertion Criteria. Collection method: clinical testing. Allele origin: germline.
Comment: NM_004360.5(CDH1):c.1901C>T (p.Ala634Val) is a missense variant that results in the substitution of alanine with valine. Segregation evidence has been reported in affected families. Functional evidence supports a deleterious effect on the gene or gene product (PMID: 12096341; PMID: 17545690; PMID: 32758476; PMID: 29454568). This variant has been recurrently observed in individuals with related phenotype (PMID: 12096341; PMID: 17545690; PMID: 32758476; PMID: 29454568). Multiple computational predictions support a deleterious effect on the gene or gene product. The variant is present at low frequency in population datasets. Based on the available data, this variant is classified as pathogenic.

Labcorp Genetics (formerly Invitae), Labcorp
Classification: Pathogenic for Hereditary diffuse gastric adenocarcinoma. Last evaluated: 2025-10-18. Review status: criteria provided, single submitter. Criteria: Invitae Variant Classification Sherloc (09022015). Collection method: clinical testing. Allele origin: germline.
Comment: This sequence change replaces alanine, which is neutral and non-polar, with valine, which is neutral and non-polar, at codon 634 of the CDH1 protein (p.Ala634Val). RNA analysis indicates that this missense change induces altered splicing and may result in an absent or altered protein product. This variant is not present in population databases (gnomAD no frequency). This missense change has been observed in individual(s) with diffuse gastric cancer (DGC) (PMID: 12588804, 15288293, 15735979, 17221870, 17545690, 24493355, 29454568). It has also been observed to segregate with disease in related individuals. ClinVar contains an entry for this variant (Variation ID: 12244). An algorithm developed to predict the effect of missense changes on protein structure and function (PolyPhen-2) suggests that this variant is likely to be tolerated. Experimental studies are conflicting or provide insufficient evidence to determine the effect of this variant on CDH1 function (PMID: 12588804, 14500541, 17510211, 22850631, 25388006). Studies have shown that this missense change results in activation of a cryptic splice site, and produces a non-functional protein and/or introduces a premature termination codon (PMID: 34503274; internal data). For these reasons, this variant has been classified as Pathogenic.

Molecular Pathology, Peter Maccallum Cancer Centre
Classification: Pathogenic for Hereditary diffuse gastric adenocarcinoma. Last evaluated: 2025-04-15. Review status: criteria provided, single submitter. Criteria: ACMG Guidelines, 2015. Collection method: clinical testing. Allele origin: germline. Inheritance: Autosomal dominant inheritance.

Molecular Diagnostics Laboratory, Catalan Institute of Oncology
Classification: Pathogenic for Hereditary cancer-predisposing syndrome. Last evaluated: 2024-12-09. Review status: criteria provided, single submitter. Criteria: ClinGen CDH1 ACMG Specifications CDH1 V3.1.0. Collection method: clinical testing. Allele origin: germline.
Comment: PVS1_Moderate (RNA), PS4, PP1_strong, PM2_Supporting c.1901C>T, located in exon 12 of the CDH1 gene, is predicted to result in the substitution of alanine to valine at codon 634, p.(Ala634Val),but the SpliceAI algorithm predicts a possible effect on splicing (0.91), aprobably abolishing the canonical donor site and causing the use of a new cryptic splice site. Experimental studies evidenced that this variant affects mRNA splicing (r.1900_1936del; p.Ala634Profs*7)(PMID: 12096341)(PVS1_Moderate (RNA)). It is not present in the population database gnomAD v2.1.1, non cancer dataset (PM2_supporting). In addition, it has been reported in ClinVar (6x as pathogenic, 2x as likely pathogenic) and in LOVD (3x pathogenic, 2x VUS) databases. This variant has been published several times in association with familial difuse gàstric cancer and co-segregates in multiple affected individuals (PMID: 17545690, PMID: 29454568, PMID: 34503274)(PP1_Strong, PS4). Based on currently available information, the variant c.1901C>T is classified as a pathogenic variant according to ClinGen CDH1 Expert Panel Specifications to the ACMG/AMP Variant Interpretation Guidelines Version 3.1.

Myriad Genetics, Inc.
Classification: Likely pathogenic for Hereditary diffuse gastric adenocarcinoma. Last evaluated: 2023-06-14. Review status: criteria provided, single submitter. Criteria: Myriad Autosomal Dominant, Autosomal Recessive and X-Linked Classification Criteria (2023). Collection method: clinical testing. Allele origin: unknown.
Comment: This variant is considered likely pathogenic. Functional studies indicate this variant impacts protein function [PMID: 12096341, 12588804, 17510211]. This variant has been reported in multiple individuals with clinical features of gene-specific disease [PMID: 12588804, 15288293, 17545690, 20719348].

Ambry Genetics
Classification: Pathogenic for Hereditary cancer-predisposing syndrome. Last evaluated: 2023-01-27. Review status: criteria provided, single submitter. Criteria: Ambry Variant Classification Scheme 2023. Collection method: clinical testing. Allele origin: germline.
Comment: The p.A634V pathogenic mutation (also known as c.1901C>T) is located in coding exon 12 of the CDH1 gene. This alteration results from a C to T substitution at nucleotide position 1901. The alanine at codon 634 is replaced by valine, an amino acid with similar properties. This alteration has been reported in multiple families meeting clinical diagnosis of hereditary diffuse gastric cancer (HDGC) (Suriano G et al. Hum Mol Genet. 2003 Mar 1;12(5):575-82; Kaurah P et al. JAMA. 2007 Jun 6;297(21):2360-72; Molinaro V et al. Genes Chromosomes Cancer. 2014 May;53(5):432-45; More H. et al Hum Mutat. 2007 Feb;28(2):203). It was demonstrated to segregate with diffuse gastric cancer and lobular breast cancer in multiple individuals in a family with early-onset disease (Gullo I et al. Gastrointest. Endosc. 2018 Jun;87(6):1566-1575). In addition, this alteration was demonstrated to cause abnormal splicing in a colon cancer cell line (V&eacute;csey-Semj&eacute;n B et al. Oncogene. 2002 Jul;21(30):4646-62). Internal RNA studies have confirmed that this alteration results in abnormal splicing in the set of samples tested (Ambry internal data). Based on the supporting evidence, this alteration is interpreted as a disease-causing mutation.

European Reference Network on Genetic Tumour Risk Syndromes (ERN-GENTURIS), i3s - Instituto de Investigação e Inovação em Saúde, University of Porto
Classification: Pathogenic for Hereditary diffuse gastric adenocarcinoma. Last evaluated: 2022-08-01. Review status: criteria provided, single submitter. Criteria: Lee et al. (Hum Mutat. 2018). Collection method: clinical testing. Allele origin: germline. Inheritance: Autosomal dominant inheritance. Affected: yes. Study: ERN GENTURIS.
Comment: PVS1_Strong; PS3; PS4; PM2; PP1_Strong (PMID: 30311375)

Women's Health and Genetics/Laboratory Corporation of America, LabCorp
Classification: Pathogenic for Malignant tumor of breast. Last evaluated: 2021-10-15. Review status: criteria provided, single submitter. Criteria: LabCorp Variant Classification Summary - May 2015. Collection method: clinical testing. Allele origin: germline.
Comment: Variant summary: CDH1 c.1901C>T (p.Ala634Val) results in a non-conservative amino acid change located in the Cadherin domain of the encoded protein sequence. Four of five in-silico tools predict a benign effect of the variant on protein function. Several computational tools predict a significant impact on normal splicing: four predict the variant creates a cryptic 5 prime donor site. At least one publication reports experimental evidence that this variant affects mRNA splicing (Kaurah_2007). The variant was absent in 251464 control chromosomes. c.1901C>T has been reported in the literature in multiple individuals affected with Breast Cancer or Gastric Cancer (e.g. Kaurah_2007, Gullo_2018). These data indicate that the variant is very likely to be associated with disease. Two clinical diagnostic laboratories have submitted clinical-significance assessments for this variant to ClinVar after 2014 without evidence for independent evaluation. Both laboratories classified the variant as pathogenic/likely pathogenic. Based on the evidence outlined above, the variant was classified as pathogenic.

Color Diagnostics, LLC DBA Color Health
Classification: Pathogenic for Hereditary cancer-predisposing syndrome. Last evaluated: 2021-10-04. Review status: criteria provided, single submitter. Criteria: ACMG Guidelines, 2015. Collection method: clinical testing. Allele origin: germline.
Comment: The variant causes a C>T nucleotide substitution at codon 634, predicted to create a cryptlc splice donor site in exon 12. RNA studies have reported the variant caused a deletion of 37 bases from exon 12 resulting in a premature termination codon (PMID: 12096341, 34503274). A mutant protein harboring this missense variant has shown decreased cell adhesion and increases in cell motility and invasion (PMID: 12588804, 22850631, 25388006). This variant has been reported in multiple diagnosed and suspected hereditary diffuse gastric cancer families (PMID: 12588804, 15288293, 15735979, 17221870, 17545690, 20719348, 24493355, 30014492, 34503274), including one family in which multiple members showed segregation of variant with disease (PMID: 29454568). This variant has not been identified in the general population by the Genome Aggregation Database (gnomAD). Loss of CDH1 function is a known mechanism of disease. Based on the available evidence, this variant is classified as Pathogenic.

Revvity Omics, Revvity
Classification: Likely pathogenic. Last evaluated: 2019-05-03. Review status: criteria provided, single submitter. Criteria: ACMG Guidelines, 2015. Collection method: clinical testing. Allele origin: germline.

OMIM
Classification: Pathogenic for DIFFUSE GASTRIC AND LOBULAR BREAST CANCER SYNDROME. Last evaluated: 2003-03-01. Review status: no assertion criteria provided. Collection method: literature only. Allele origin: germline. Not counted in ClinVar's aggregate classification.

Dr. Peter K. Rogan Lab, Western University
No classification provided (evidence only). Condition: Glioma susceptibility 1. Review status: no classification provided. Collection method: in vitro. Allele origin: not applicable. Functional consequence: retained intron. Not counted in ClinVar's aggregate classification.

Literature cited by the submitters: PubMed 12096341 (cited by 3 submitters); PubMed 17545690 (cited by 5 submitters); PubMed 32758476 (cited by Dasa); PubMed 29454568 (cited by 6 submitters); PubMed 12588804 (cited by 5 submitters); PubMed 15288293 (cited by 3 submitters); PubMed 15735979 (cited by 4 submitters); PubMed 17221870 (cited by Labcorp Genetics (formerly Invitae), Labcorp and Color Diagnostics, LLC DBA Color Health); PubMed 24493355 (cited by Labcorp Genetics (formerly Invitae), Labcorp and Color Diagnostics, LLC DBA Color Health); PubMed 14500541 (cited by Labcorp Genetics (formerly Invitae), Labcorp); PubMed 17510211 (cited by Labcorp Genetics (formerly Invitae), Labcorp and Myriad Genetics, Inc.); PubMed 22850631 (cited by Labcorp Genetics (formerly Invitae), Labcorp and Color Diagnostics, LLC DBA Color Health); PubMed 25388006 (cited by Labcorp Genetics (formerly Invitae), Labcorp and Color Diagnostics, LLC DBA Color Health); PubMed 34503274 (cited by 3 submitters); PubMed 20719348 (cited by 3 submitters); PubMed 30014492 (cited by Ambry Genetics and Color Diagnostics, LLC DBA Color Health); PubMed 36436516 (cited by European Reference Network on Genetic Tumour Risk Syndromes (ERN-GENTURIS), i3s - Instituto de Investigação e Inovação em Saúde, University of Porto); PubMed 28529006 (cited by European Reference Network on Genetic Tumour Risk Syndromes (ERN-GENTURIS), i3s - Instituto de Investigação e Inovação em Saúde, University of Porto).